The following is an entry in ClinVar:

ClinVar aggregate classification (germline): Pathogenic (1 of 4 stars; one submission).

Conditions:
DICER1-related tumor predisposition. Also called: DICER1-related pleuropulmonary blastoma cancer predisposition syndrome; DICER1 syndrome. Identifiers: Orphanet 284343, MedGen C3839822, MONDO:0100216.

Submission:

Labcorp Genetics (formerly Invitae), Labcorp
Classification: Pathogenic for DICER1-related tumor predisposition. Last evaluated: 2020-03-03. Review status: criteria provided, single submitter. Criteria: Invitae Variant Classification Sherloc (09022015). Collection method: clinical testing. Allele origin: germline.
Comment: For these reasons, this variant has been classified as Pathogenic. Loss-of-function variants in DICER1 are known to be pathogenic (PMID: 19556464, 21266384). This variant has not been reported in the literature in individuals with DICER1-related conditions. This variant is not present in population databases (ExAC no frequency). This sequence change creates a premature translational stop signal (p.Gln1613*) in the DICER1 gene. It is expected to result in an absent or disrupted protein product.

Literature cited by the submitters: PubMed 19556464; PubMed 21266384.

NM_177438.3(DICER1):c.4837C>T (p.Gln1613Ter)

Gene: DICER1 (dicer 1, ribonuclease III; minus strand). Cytogenetic location: 14q32.13.
Variant type: single nucleotide variant.
Coding change: c.4837C>T on transcript NM_177438.3 (MANE Select); coding-DNA position 4837, C replaced by T.
Protein change: p.Gln1613Ter; replaces glutamine 1613 with a stop codon.
Molecular consequence: nonsense.
Genome position (GRCh38, 1-based): chr14:95,096,083, G>A on the plus strand (C>T on the coding strand, the complement: DICER1 is on the minus strand). VCF-style: chr14-95096083-G-A. GRCh37 (hg19) VCF-style: chr14-95562420-G-A.
Other names: c.4837C>T, p.Gln1613Ter (NM_001195573.1, NM_001271282.3, NM_001291628.2 and 1 more transcripts); short protein forms Q1613*.
Identifiers: ClinVar variation 1068814 (VCV001068814.8), dbSNP rs2139842363, ClinGen allele CA390866839.
Genomic context (GRCh38, chr14:95,096,083, plus strand): 5'-CAGAAGAGCGTGAACTGGCCACAGAAGCAGCAGCACAGCTCACTGAAAGGTTCTTTTGTT[G>A]GCTGTTGAAATTCTCCCGAGTAGGGCACAGGGCCTTTTCCCGATCAGTCCTTTTAATTAC-3'